The following is an entry in ClinVar:

ClinVar aggregate classification (germline): Likely pathogenic (1 of 4 stars; one submission).

Conditions:
Glaucoma 3A. Also called: Glaucoma 3, primary congenital, A. Identifiers: Orphanet 98976, Orphanet 98977, MedGen C1856439, MONDO:0009277, OMIM 231300.

Submission:

Institute of Basic Medical Sciences, Khyber Medical University, Peshawar
Classification: Likely pathogenic for Glaucoma 3A. Review status: criteria provided, single submitter. Criteria: ACMG Guidelines, 2015. Collection method: clinical testing. Allele origin: germline. Inheritance: Autosomal recessive inheritance. Affected: yes. Observed: 1 homozygote.
Comment: This variant segregated appropriately among all family members (including parents, unaffected, and affected individuals), supporting its classification as likely pathogenic in accordance with ACMG guidelines (2015). This mutation has also been reported in a Pakistani family with the same phenotype, and pathogenicity prediction software indicates that this variant leads to an unstable protein structure (DOI 10.1371/journal.pone.0274335)

Literature cited by the submitters: PubMed 10655546.

NM_000104.4(CYP1B1):c.722T>A (p.Val241Glu)

Gene: CYP1B1 (cytochrome P450 family 1 subfamily B member 1; minus strand). Cytogenetic location: 2p22.2.
Variant type: single nucleotide variant.
Coding change: c.722T>A on transcript NM_000104.4 (MANE Select); coding-DNA position 722, T replaced by A.
Protein change: p.Val241Glu; replaces valine 241 with glutamic acid.
Molecular consequence: missense variant.
Genome position (GRCh38, 1-based): chr2:38,074,667, A>T on the plus strand (T>A on the coding strand, the complement: CYP1B1 is on the minus strand). VCF-style: chr2-38074667-A-T. GRCh37 (hg19) VCF-style: chr2-38301810-A-T.
Other names: short protein forms V241E.
Identifiers: ClinVar variation 4070518 (VCV004070518.1).